The following is an entry in ClinVar:

NM_032578.4(MYPN):c.1511del (p.Glu504fs)

Gene: MYPN (myopalladin; plus strand). Cytogenetic location: 10q21.3.
Variant type: Deletion.
Coding change: c.1511del on transcript NM_032578.4 (MANE Select); coding-DNA position 1511, one base deleted (A; older notation c.1511delA).
Protein change: p.Glu504fs; shifts the reading frame from glutamic acid 504.
Molecular consequence: frameshift variant. On other transcripts: non-coding transcript variant (2).
Genome position (GRCh38, 1-based): chr10:68,165,729, A deleted. VCF-style (leftmost placement, unchanged base first): chr10-68165728-GA-G. GRCh37 (hg19) VCF-style: chr10-69925485-GA-G.
Other names: c.1511del, p.Glu504fs (NM_001256267.2); c.629del, p.Glu210fs (NM_001256268.2); short protein forms E210fs, E504fs.
Identifiers: ClinVar variation 2563975 (VCV002563975.2), dbSNP rs2495728963, ClinGen allele CA2580615491.

ClinVar aggregate classification (germline): Pathogenic (1 of 4 stars; one submission).

Conditions:
Cardiovascular phenotype. Identifiers: MedGen CN230736.

Submission:

Ambry Genetics
Classification: Pathogenic for Cardiovascular phenotype. Last evaluated: 2023-05-18. Review status: criteria provided, single submitter. Criteria: Ambry Variant Classification Scheme 2023. Collection method: clinical testing. Allele origin: germline.
Comment: The c.1511delA pathogenic mutation, located in coding exon 8 of the MYPN gene, results from a deletion of one nucleotide at nucleotide position 1511, causing a translational frameshift with a predicted alternate stop codon (p.E504Gfs*29). This variant is considered to be rare based on population cohorts in the Genome Aggregation Database (gnomAD). This alteration is expected to result in loss of function by premature protein truncation or nonsense-mediated mRNA decay. As such, this alteration is interpreted as a disease-causing mutation.